The following is an entry in ClinVar:

NM_001267550.2(TTN):c.102457G>A (p.Val34153Ile)

Genes: TTN (titin; minus strand), TTN-AS1 (TTN antisense RNA 1; plus strand). Cytogenetic location: 2q31.2.
Variant type: single nucleotide variant.
Coding change: c.102457G>A on transcript NM_001267550.2 (MANE Select); coding-DNA position 102457, G replaced by A.
Protein change: p.Val34153Ile; replaces valine 34153 with isoleucine.
Molecular consequence: missense variant.
Genome position (GRCh38, 1-based): chr2:178,534,158, C>T on the plus strand (G>A on the coding strand, the complement: TTN is on the minus strand). VCF-style: chr2-178534158-C-T. GRCh37 (hg19) VCF-style: chr2-179398885-C-T.
Other names: c.97534G>A, p.Val32512Ile (NM_001256850.1); c.75262G>A, p.Val25088Ile (NM_003319.4); c.94753G>A, p.Val31585Ile (NM_133378.4); c.75637G>A, p.Val25213Ile (NM_133432.3); c.75838G>A, p.Val25280Ile (NM_133437.4); short protein forms V25280I, V25088I, V34153I, V25213I, V31585I, V32512I.
Identifiers: ClinVar variation 1759346 (VCV001759346.2), dbSNP rs1236074112, ClinGen allele CA349417501.

ClinVar aggregate classification (germline): Uncertain significance (1 of 4 stars; one submission).

Conditions:
Cardiovascular phenotype. Identifiers: MedGen CN230736.

Allele frequency attached by ClinVar (database versions not stated): gnomAD exomes below 0.00001; gnomAD 0.00001.
gnomAD v4.1: 4 of 1,613,822 alleles (0.00025%); highest among the groups gnomAD compares: South Asian, 0.0022%; no homozygotes.

Submission:

Ambry Genetics
Classification: Uncertain significance for Cardiovascular phenotype. Last evaluated: 2019-07-22. Review status: criteria provided, single submitter. Criteria: Ambry Variant Classification Scheme 2023. Collection method: clinical testing. Allele origin: germline.
Comment: The p.V25088I variant (also known as c.75262G>A), located in coding exon 185 of the TTN gene, results from a G to A substitution at nucleotide position 75262. The valine at codon 25088 is replaced by isoleucine, an amino acid with highly similar properties. This amino acid position is not well conserved in available vertebrate species, and isoleucine is the reference amino acid in other vertebrate species. In addition, this alteration is predicted to be tolerated by in silico analysis. Since supporting evidence is limited at this time, the clinical significance of this alteration remains unclear.